The following is an entry in ClinVar:

ClinVar aggregate classification (germline): Benign (3 of 4 stars; one submission).

Conditions:
Breast-ovarian cancer, familial, susceptibility to, 1 (BROVCA1). Also called: BRCA1 Hereditary Breast and Ovarian Cancer; OVARIAN CANCER, SUSCEPTIBILITY TO. Identifiers: Orphanet 145, MedGen C2676676, MONDO:0011450, OMIM 604370. Disease mechanism: loss of function.

Allele frequency attached by ClinVar (database versions not stated): gnomAD 0.45330 and 0.45399; TOPMed 0.45472; 1000 Genomes Project 0.50260; 1000 Genomes Project 30x 0.50406.
gnomAD v4.1: 68,519 of 151,612 alleles (45%); highest among the groups gnomAD compares: African/African-American, 69%; 17,274 homozygotes.

Submission:

Evidence-based Network for the Interpretation of Germline Mutant Alleles (ENIGMA)
Classification: Benign for Breast-ovarian cancer, familial 1. Last evaluated: 2015-01-12. Review status: reviewed by expert panel. Criteria: ENIGMA BRCA1/2 Classification Criteria (2015). Collection method: curation. Allele origin: germline.
Comment: Class 1 not pathogenic based on frequency >1% in an outbred sampleset. Frequency 0.3304 (Asian), 0.2846 (African), 0.3641 (European), derived from 1000 genomes (2012-04-30).

NM_007294.4(BRCA1):c.4358-1181T>C

Gene: BRCA1 (BRCA1 DNA repair associated; minus strand). Cytogenetic location: 17q21.31.
Variant type: single nucleotide variant.
Coding change: c.4358-1181T>C on transcript NM_007294.4 (MANE Select); 1181 bases into the intron before coding-DNA position 4358, T replaced by C.
Molecular consequence: intron variant.
Genome position (GRCh38, 1-based): chr17:43,077,795, A>G on the plus strand (T>C on the coding strand, the complement: BRCA1 is on the minus strand). VCF-style: chr17-43077795-A-G. GRCh37 (hg19) VCF-style: chr17-41229812-A-G.
Other names: IVS 13-1181T>C; c.838+4609T>C (NM_001408514.1); c.839-1184T>C (NM_001408485.1, NM_001408483.1, NM_001408481.1 and 2 more transcripts); c.4145-1181T>C (NM_001407908.1, NM_001407898.1, NM_001407894.1 and 8 more transcripts); c.4148-1181T>C (NM_001407882.1, NM_001407885.1, NM_001407886.1 and 5 more transcripts); c.923-1184T>C (NM_001408447.1, NM_001408446.1, NM_001408448.1 and 2 more transcripts); c.923-1181T>C (NM_001408433.1, NM_001408441.1, NM_001408442.1 and 5 more transcripts); c.4229-1184T>C (NM_001407690.1, NM_001407691.1); and 99 more.
Identifiers: ClinVar variation 209385 (VCV000209385.2), dbSNP rs4239147, ClinGen allele CA276357.